The following is an entry in ClinVar:

ClinVar aggregate classification (germline): Uncertain significance (1 of 4 stars; one submission).

Submission:

Labcorp Genetics (formerly Invitae), Labcorp
Classification: Uncertain significance. Last evaluated: 2026-01-08. Review status: criteria provided, single submitter. Criteria: Invitae Variant Classification Sherloc (09022015). Collection method: clinical testing. Allele origin: germline.
Comment: This sequence change replaces aspartic acid, which is acidic and polar, with asparagine, which is neutral and polar, at codon 604 of the TMPRSS15 protein (p.Asp604Asn). This variant is not present in population databases (gnomAD no frequency). This variant has not been reported in the literature in individuals affected with TMPRSS15-related conditions. An algorithm developed to predict the effect of missense changes on protein structure and function (PolyPhen-2) suggests that this variant is likely to be disruptive. In summary, the available evidence is currently insufficient to determine the role of this variant in disease. Therefore, it has been classified as a Variant of Uncertain Significance.

NM_002772.3(TMPRSS15):c.1810G>A (p.Asp604Asn)

Gene: TMPRSS15 (transmembrane serine protease 15; minus strand). Cytogenetic location: 21q21.1.
Variant type: single nucleotide variant.
Coding change: c.1810G>A on transcript NM_002772.3 (MANE Select); coding-DNA position 1810, G replaced by A.
Protein change: p.Asp604Asn; replaces aspartic acid 604 with asparagine.
Molecular consequence: missense variant.
Genome position (GRCh38, 1-based): chr21:18,326,543, C>T on the plus strand (G>A on the coding strand, the complement: TMPRSS15 is on the minus strand). VCF-style: chr21-18326543-C-T. GRCh37 (hg19) VCF-style: chr21-19698860-C-T.
Other names: c.1945G>A, p.Asp649Asn (NM_001428056.1); c.1810G>A, p.Asp604Asn (NM_001428057.1); short protein forms D604N, D649N.
Identifiers: ClinVar variation 4798559 (VCV004798559.1).